The following is an entry in ClinVar:

ClinVar aggregate classification (germline): other (0 of 4 stars; one submission).

Conditions:
Familial colorectal cancer. Identifiers: MedGen CN280943, MONDO:0023113. Disease mechanism: loss of function.

Allele frequency attached by ClinVar (database versions not stated): TOPMed below 0.00001; gnomAD 0.00001.
gnomAD v4.1: 1 of 152,168 alleles (0.00066%); highest among the groups gnomAD compares: Non-Finnish European, 0.0015%; no homozygotes.

Submission:

Systems Biology Platform Zhejiang California International NanoSystems Institute
Classification: other for Familial colorectal cancer. Review status: no assertion criteria provided. Collection method: not provided. Allele origin: unknown.
ClinVar note: Converted during submission from cancer to other.

NM_001127511.3(APC):c.165+23451A>G

Gene: APC (APC regulator of Wnt signaling pathway; plus strand). Cytogenetic location: 5q22.2.
Variant type: single nucleotide variant.
Coding change: c.165+23451A>G on transcript NM_001127511.3; 23451 bases into the intron after coding-DNA position 165, A replaced by G.
Molecular consequence: intron variant.
Genome position (GRCh38, 1-based): chr5:112,731,333, A>G. VCF-style: chr5-112731333-A-G. GRCh37 (hg19) VCF-style: chr5-112067030-A-G.
Other names: c.-1054+23451A>G (NM_001407470.1, NM_001407472.1); c.-19+23451A>G (NM_001407447.1, NM_001354895.2, NM_001407456.1 and 3 more transcripts); c.165+23451A>G (NM_001407446.1, NM_001354897.2, NM_001354902.2); c.-18-23540A>G (NM_001407448.1, NM_001407450.1, NM_001407457.1 and 1 more transcripts); c.-43+23684A>G (NM_001407453.1).
Identifiers: ClinVar variation 82307 (VCV000082307.4), dbSNP rs76039388, ClinGen allele CA023558.